The following is an entry in ClinVar:

NM_004752.4(GCM2):c.1401A>G (p.Pro467=)

Gene: GCM2 (GCM transcription factor 2; minus strand). Cytogenetic location: 6p24.2.
Variant type: single nucleotide variant.
Coding change: c.1401A>G on transcript NM_004752.4 (MANE Select); coding-DNA position 1401, A replaced by G.
Protein change: p.Pro467=; no amino-acid change (proline 467 retained).
Molecular consequence: synonymous variant.
Genome position (GRCh38, 1-based): chr6:10,874,115, T>C on the plus strand (A>G on the coding strand, the complement: GCM2 is on the minus strand). VCF-style: chr6-10874115-T-C. GRCh37 (hg19) VCF-style: chr6-10874348-T-C.
Identifiers: ClinVar variation 4995141 (VCV004995141.1).

ClinVar aggregate classification (germline): Likely benign (1 of 4 stars; one submission).

Conditions:
GCM2-related disorder. Also called: GCM2-related condition.

gnomAD v4.1: 3 of 1,614,206 alleles (0.00019%); highest among the groups gnomAD compares: Admixed American, 0.0033%; no homozygotes.

Submission:

PreventionGenetics, part of Exact Sciences
Classification: Likely benign for GCM2-related condition. Last evaluated: 2025-09-10. Review status: criteria provided, single submitter. Criteria: ACMG Guidelines, 2015. Collection method: clinical testing. Allele origin: germline.
Comment: This variant is classified as likely benign based on ACMG/AMP sequence variant interpretation guidelines (Richards et al. 2015 PMID: 25741868, with internal and published modifications).